The following is an entry in ClinVar:

NM_001330360.2(POLA1):c.2566+6G>C

Gene: POLA1 (DNA polymerase alpha 1, catalytic subunit; plus strand). Cytogenetic location: Xp22.11.
Variant type: single nucleotide variant.
Coding change: c.2566+6G>C on transcript NM_001330360.2 (MANE Select); 6 bases into the intron after coding-DNA position 2566, G replaced by C.
Molecular consequence: intron variant.
Genome position (GRCh38, 1-based): chrX:24,743,335, G>C. VCF-style: chrX-24743335-G-C. GRCh37 (hg19) VCF-style: chrX-24761452-G-C.
Other names: c.2491+6G>C (NM_001378303.1); c.2548+6G>C (NM_016937.4).
Identifiers: ClinVar variation 3675634 (VCV003675634.2).
Genomic context (GRCh38, chrX:24,743,335, plus strand): 5'-AAAGGACGTAAGAAAGCAGCTTATGCTGGAGGCTTGGTTTTGGACCCCAAAGTTGGTAAG[G>C]CTGGGCAGTGAATTGGTTTTCTCCCAGTATTAAGGAATTTCTTAATGTGGATCTAGGCTT-3'

ClinVar aggregate classification (germline): Uncertain significance (1 of 4 stars; one submission).

gnomAD v4.1: 2 of 1,004,151 alleles (0.0002%); highest among the groups gnomAD compares: Non-Finnish European, 0.00028%; no homozygotes.

Submission:

Labcorp Genetics (formerly Invitae), Labcorp
Classification: Uncertain significance. Last evaluated: 2024-01-31. Review status: criteria provided, single submitter. Criteria: Invitae Variant Classification Sherloc (09022015). Collection method: clinical testing. Allele origin: germline.
Comment: This sequence change falls in intron 23 of the POLA1 gene. It does not directly change the encoded amino acid sequence of the POLA1 protein. It affects a nucleotide within the consensus splice site. This variant is not present in population databases (gnomAD no frequency). This variant has not been reported in the literature in individuals affected with POLA1-related conditions. Variants that disrupt the consensus splice site are a relatively common cause of aberrant splicing (PMID: 17576681, 9536098). Algorithms developed to predict the effect of sequence changes on RNA splicing suggest that this variant is not likely to affect RNA splicing. In summary, the available evidence is currently insufficient to determine the role of this variant in disease. Therefore, it has been classified as a Variant of Uncertain Significance.

Literature cited by the submitters: PubMed 17576681; PubMed 9536098.